The following is an entry in ClinVar:

NM_004329.3(BMPR1A):c.370T>A (p.Cys124Ser)

Gene: BMPR1A (bone morphogenetic protein receptor type 1A; plus strand). Cytogenetic location: 10q23.2.
Variant type: single nucleotide variant.
Coding change: c.370T>A on transcript NM_004329.3 (MANE Select); coding-DNA position 370, T replaced by A.
Protein change: p.Cys124Ser; replaces cysteine 124 with serine.
Molecular consequence: missense variant.
Genome position (GRCh38, 1-based): chr10:86,899,830, T>A. VCF-style: chr10-86899830-T-A. GRCh37 (hg19) VCF-style: chr10-88659587-T-A.
Other names: short protein forms C124S.
Identifiers: ClinVar variation 665840 (VCV000665840.11), dbSNP rs199476087, ClinGen allele CA377449426.

ClinVar aggregate classification (germline): Likely pathogenic. Review status: criteria provided, multiple submitters, no conflicts (2 of 4 stars). 2 submissions from 2 submitters: Likely pathogenic (2). Last evaluated 2025-06-16.

Conditions:
Juvenile polyposis syndrome (JPS). Identifiers: Orphanet 2929, MedGen C0345893, MONDO:0017380, OMIM 174900.
Hereditary cancer-predisposing syndrome. Also called: Neoplastic Syndromes, Hereditary; Hereditary neoplastic syndrome; Tumor predisposition; Hereditary Cancer Syndrome. Identifiers: Orphanet 140162, MedGen C0027672, MeSH D009386, MONDO:0015356.

Submissions (2):

Ambry Genetics
Classification: Likely pathogenic for Hereditary cancer-predisposing syndrome. Last evaluated: 2025-06-16. Review status: criteria provided, single submitter. Criteria: Ambry Variant Classification Scheme 2023. Collection method: clinical testing. Allele origin: germline.
Comment: The p.C124S variant (also known as c.370T>A), located in coding exon 4 of the BMPR1A gene, results from a T to A substitution at nucleotide position 370. The cysteine at codon 124 is replaced by serine, an amino acid with dissimilar properties. This variant was reported in individual(s) with features consistent with BMPR1A-related juvenile polyposis syndrome (Ambry internal data). This amino acid position is highly conserved in available vertebrate species. In addition, this alteration is predicted to be deleterious by in silico analysis. This variant is considered to be rare based on population cohorts in the Genome Aggregation Database (gnomAD). Based on the majority of available evidence to date, this variant is likely to be pathogenic.

Labcorp Genetics (formerly Invitae), Labcorp
Classification: Likely pathogenic for Juvenile polyposis syndrome. Last evaluated: 2021-06-24. Review status: criteria provided, single submitter. Criteria: Invitae Variant Classification Sherloc (09022015). Collection method: clinical testing. Allele origin: germline.
Comment: In summary, the currently available evidence indicates that the variant is pathogenic, but additional data are needed to prove that conclusively. Therefore, this variant has been classified as Likely Pathogenic. Advanced modeling of protein sequence and biophysical properties (such as structural, functional, and spatial information, amino acid conservation, physicochemical variation, residue mobility, and thermodynamic stability) performed at Invitae indicates that this missense variant is expected to disrupt BMPR1A protein function. This variant has been observed in individual(s) with clinical features of juvenile polyposis syndrome (Invitae). ClinVar contains an entry for this variant (Variation ID: 665840). This variant is not present in population databases (ExAC no frequency). This sequence change replaces cysteine with serine at codon 124 of the BMPR1A protein (p.Cys124Ser). The cysteine residue is highly conserved and there is a moderate physicochemical difference between cysteine and serine.